The following is an entry in ClinVar:

ClinVar aggregate classification (germline): Uncertain significance (0 of 4 stars; one submission).

Conditions:
PCNT-related disorder. Also called: PCNT-related condition.

Submission:

PreventionGenetics, part of Exact Sciences
Classification: Uncertain significance for PCNT-related condition. Last evaluated: 2024-03-19. Review status: no assertion criteria provided. Collection method: clinical testing. Allele origin: germline.
Comment: The PCNT c.335A>T variant is predicted to result in the amino acid substitution p.His112Leu. To our knowledge, this variant has not been reported in the literature or in a large population database, indicating this variant is rare. At this time, the clinical significance of this variant is uncertain due to the absence of conclusive functional and genetic evidence.

NM_006031.6(PCNT):c.335A>T (p.His112Leu)

Gene: PCNT (pericentrin; plus strand). Cytogenetic location: 21q22.3.
Variant type: single nucleotide variant.
Coding change: c.335A>T on transcript NM_006031.6 (MANE Select); coding-DNA position 335, A replaced by T.
Protein change: p.His112Leu; replaces histidine 112 with leucine.
Molecular consequence: missense variant. On other transcripts: 5 prime UTR variant (1).
Genome position (GRCh38, 1-based): chr21:46,334,464, A>T. VCF-style: chr21-46334464-A-T. GRCh37 (hg19) VCF-style: chr21-47754378-A-T.
Other names: c.-20A>T (NM_001315529.2); short protein forms H112L.
Identifiers: ClinVar variation 3348527 (VCV003348527.1).
Genomic context (GRCh38, chr21:46,334,464, plus strand): 5'-ACTGTGATGGAGAGAAGAGAGAGGACTTGGAACAGCTGCAGCAGAAGCAAGTCAATGACC[A>T]TCCTCCAGAGCAGTGTGGGATGTTCACAGTCAGTGACCACCCACCAGAACAGCATGGGAT-3'
Protein context (NP_006022.3, residues 102-122): EQLQQKQVND[His112Leu]PPEQCGMFTV